The following is an entry in ClinVar:

NM_001111125.3(IQSEC2):c.1641G>A (p.Ala547=)

Gene: IQSEC2 (IQ motif and Sec7 domain ArfGEF 2; minus strand). Cytogenetic location: Xp11.22.
Variant type: single nucleotide variant.
Coding change: c.1641G>A on transcript NM_001111125.3 (MANE Select); coding-DNA position 1641, G replaced by A.
Protein change: p.Ala547=; no amino-acid change (alanine 547 retained).
Molecular consequence: synonymous variant.
Genome position (GRCh38, 1-based): chrX:53,250,935, C>T on the plus strand (G>A on the coding strand, the complement: IQSEC2 is on the minus strand). VCF-style: chrX-53250935-C-T. GRCh37 (hg19) VCF-style: chrX-53280117-C-T.
Other names: p.Ala547=; c.1026G>A, p.Ala342= (NM_015075.2).
Identifiers: ClinVar variation 129280 (VCV000129280.24), dbSNP rs61745228, ClinGen allele CA153181.

ClinVar aggregate classification (germline): Benign. Review status: criteria provided, multiple submitters, no conflicts (2 of 4 stars). 7 submissions from 7 submitters: Benign (6). 1 of the submissions does not count toward it. Last evaluated 2026-02-03.

Conditions:
Inborn genetic diseases. Identifiers: MedGen C0950123, MeSH D030342.
Intellectual developmental disorder, X-linked 1. Also called: Atkin Flaitz Patil Smith syndrome; Intellectual disability, X-linked 1; MENTAL RETARDATION, X-LINKED 18; MENTAL RETARDATION, X-LINKED 78. Identifiers: Orphanet 777, MedGen C2931498, MONDO:0010656, OMIM 309530.

Allele frequency attached by ClinVar (database versions not stated): gnomAD 0.02041 and 0.02162; 1000 Genomes Project 30x 0.02123; TOPMed 0.02401; ESP Exome Variant Server 0.02408.
gnomAD v4.1: 4,670 of 1,199,171 alleles (0.39%); highest among the groups gnomAD compares: African/African-American, 7%; 108 homozygotes.

Submissions (7):

Labcorp Genetics (formerly Invitae), Labcorp
Classification: Benign for Intellectual developmental disorder, X-linked 1. Last evaluated: 2026-02-03. Review status: criteria provided, single submitter. Criteria: Invitae Variant Classification Sherloc (09022015). Collection method: clinical testing. Allele origin: germline.

Mayo Clinic Laboratories, Mayo Clinic
Classification: Benign. Last evaluated: 2022-07-08. Review status: criteria provided, single submitter. Criteria: ACMG Guidelines, 2015. Collection method: clinical testing. Allele origin: germline. Observed: 5 variant alleles.

Athena Diagnostics
Classification: Benign. Last evaluated: 2017-11-20. Review status: criteria provided, single submitter. Criteria: Athena Diagnostics Criteria. Collection method: clinical testing. Allele origin: germline.

Ambry Genetics
Classification: Benign for Inborn genetic diseases. Last evaluated: 2016-04-13. Review status: criteria provided, single submitter. Criteria: Ambry Variant Classification Scheme 2023. Collection method: clinical testing. Allele origin: germline.

GeneDx
Classification: Benign. Last evaluated: 2016-02-01. Review status: criteria provided, single submitter. Criteria: GeneDx Variant Classification (06012015). Collection method: clinical testing. Allele origin: germline. Affected: yes.
Comment: This variant is considered likely benign or benign based on one or more of the following criteria: it is a conservative change, it occurs at a poorly conserved position in the protein, it is predicted to be benign by multiple in silico algorithms, and/or has population frequency not consistent with disease.

Breakthrough Genomics
Classification: Benign. Review status: criteria provided, single submitter. Criteria: ACMG Guidelines, 2015. Collection method: not provided. Allele origin: germline. Inheritance: X-linked inheritance. Affected: yes.

Genetic Services Laboratory, University of Chicago
Classification: Likely benign for AllHighlyPenetrant. Review status: no assertion criteria provided. Collection method: clinical testing. Allele origin: germline. Inheritance: X-linked inheritance. Not counted in ClinVar's aggregate classification.
Comment: Likely benign based on allele frequency in 1000 Genomes Project or ESP global frequency and its presence in a patient with a rare or unrelated disease phenotype. NOT Sanger confirmed.